The following is an entry in ClinVar:

NM_032830.3(UTP4):c.1367C>T (p.Ser456Leu)

Gene: UTP4 (UTP4 small subunit processome component). Cytogenetic location: 16q22.1.
Variant type: single nucleotide variant.
Coding change: c.1367C>T on transcript NM_032830.3 (MANE Select); coding-DNA position 1367, C replaced by T.
Protein change: p.Ser456Leu; replaces serine 456 with leucine.
Molecular consequence: missense variant.
Genome position (GRCh38, 1-based): chr16:69,157,163, C>T. VCF-style: chr16-69157163-C-T. GRCh37 (hg19) VCF-style: chr16-69191066-C-T.
Other names: c.1118C>T, p.Ser373Leu (NM_001318391.2); short protein forms S373L, S456L.
Identifiers: ClinVar variation 3000447 (VCV003000447.3), dbSNP rs749653993, ClinGen allele CA8132413.
Genomic context (GRCh38, chr16:69,157,163, plus strand): 5'-TCCTTCGCTCTGCCCTTCAGATTTTGTTTTCTGAAGATTCAACAAAGCTCTTTGTAGCAT[C>T]AAATCAAGGAGCTCTGCATATTGTTCAGCTGTCAGGAGGAAGCTTCAAGCACCTGCATGC-3'
Protein context (NP_116219.2, residues 446-466): SEDSTKLFVA[Ser456Leu]NQGALHIVQL

ClinVar aggregate classification (germline): Uncertain significance (1 of 4 stars; one submission).

Allele frequency attached by ClinVar (database versions not stated): gnomAD exomes below 0.00001; ExAC 0.00001; gnomAD 0.00001; TOPMed 0.00002.
gnomAD v4.1: 9 of 1,614,042 alleles (0.00056%); highest among the groups gnomAD compares: East Asian, 0.0089%; no homozygotes.

Submission:

Labcorp Genetics (formerly Invitae), Labcorp
Classification: Uncertain significance. Last evaluated: 2024-03-31. Review status: criteria provided, single submitter. Criteria: Invitae Variant Classification Sherloc (09022015). Collection method: clinical testing. Allele origin: germline.
Comment: This sequence change replaces serine, which is neutral and polar, with leucine, which is neutral and non-polar, at codon 456 of the UTP4 protein (p.Ser456Leu). This variant is present in population databases (rs749653993, gnomAD 0.02%). This variant has not been reported in the literature in individuals affected with UTP4-related conditions. Advanced modeling of protein sequence and biophysical properties (such as structural, functional, and spatial information, amino acid conservation, physicochemical variation, residue mobility, and thermodynamic stability) performed at Invitae indicates that this missense variant is not expected to disrupt UTP4 protein function with a negative predictive value of 80%. Algorithms developed to predict the effect of sequence changes on RNA splicing suggest that this variant may disrupt the consensus splice site. In summary, the available evidence is currently insufficient to determine the role of this variant in disease. Therefore, it has been classified as a Variant of Uncertain Significance.